The following is an entry in ClinVar:

ClinVar aggregate classification (germline): Benign. Review status: criteria provided, multiple submitters, no conflicts (2 of 4 stars). 4 submissions from 4 submitters: Benign (4). Last evaluated 2024-07-15.

Conditions:
Focal segmental glomerulosclerosis 1 (FSGS1). Identifiers: Orphanet 656, MedGen C4551527, MONDO:0011303, OMIM 603278.

Allele frequency attached by ClinVar (database versions not stated): 1000 Genomes Project 30x 0.11352; 1000 Genomes Project 0.11422; TOPMed 0.14604; gnomAD 0.14856 and 0.14962; gnomAD exomes 0.15962 and 0.17242; ExAC 0.19983.
gnomAD v4.1: 271,742 of 1,597,272 alleles (17%); highest among the groups gnomAD compares: Middle Eastern, 32%; 24,629 homozygotes.

Submissions (4):

Unidad de Genómica Garrahan, Hospital de Pediatría Garrahan
Classification: Benign. Last evaluated: 2024-07-15. Review status: criteria provided, single submitter. Criteria: ACMG Guidelines, 2015. Collection method: clinical testing. Allele origin: germline. Affected: no. Observed: 28 variant alleles.
Comment: This variant is classified as Benign based on local population frequency. This variant was detected in 30% of patients studied in a panel designed for Epileptic and Developmental Encephalopathy and Progressive Myoclonus Epilepsy. Number of patients: 28. Only high quality variants are reported.

Genome-Nilou Lab
Classification: Benign for Focal segmental glomerulosclerosis 1. Last evaluated: 2021-12-05. Review status: criteria provided, single submitter. Criteria: ACMG Guidelines, 2015. Collection method: clinical testing. Allele origin: germline. Affected: no.

GeneDx
Classification: Benign. Last evaluated: 2018-07-09. Review status: criteria provided, single submitter. Criteria: GeneDx Variant Classification Process June 2021. Collection method: clinical testing. Allele origin: germline. Affected: yes.

Breakthrough Genomics
Classification: Benign. Review status: criteria provided, single submitter. Criteria: ACMG Guidelines, 2015. Collection method: not provided. Allele origin: germline. Inheritance: Autosomal dominant inheritance. Affected: yes.

NM_004924.6(ACTN4):c.1442+64C>T

Gene: ACTN4 (actinin alpha 4; plus strand). Cytogenetic location: 19q13.2.
Variant type: single nucleotide variant.
Coding change: c.1442+64C>T on transcript NM_004924.6 (MANE Select); 64 bases into the intron after coding-DNA position 1442, C replaced by T.
Molecular consequence: intron variant.
Genome position (GRCh38, 1-based): chr19:38,721,752, C>T. VCF-style: chr19-38721752-C-T. GRCh37 (hg19) VCF-style: chr19-39212392-C-T.
Other names: c.1442+64C>T (NM_001322033.2).
Identifiers: ClinVar variation 1261328 (VCV001261328.6), dbSNP rs77822825, ClinGen allele CA9417650.
Genomic context (GRCh38, chr19:38,721,752, plus strand): 5'-CGTGCGGGCTCAGGACACTATCATCACCTGGCTCTCACCACAGCCTGCCCAGACTGGTGG[C>T]GGCAGCACGCCGAGGCCCAGCCTGCCTCAAGGCCTGGAATAGGGTCCCCAGTGCCCCAAC-3'